The following is an entry in ClinVar:

NM_000317.3(PTS):c.234del (p.Lys78fs)

Gene: PTS (6-pyruvoyltetrahydropterin synthase; plus strand). Cytogenetic location: 11q23.1.
Variant type: Deletion.
Coding change: c.234del on transcript NM_000317.3 (MANE Select); coding-DNA position 234, one base deleted (A; older notation c.234delA).
Protein change: p.Lys78fs; shifts the reading frame from lysine 78.
Molecular consequence: frameshift variant.
Genome position (GRCh38, 1-based): chr11:112,230,673, A deleted; the last of 6 consecutive A bases (chr11:112,230,668-112,230,673); deleting any one gives the same sequence. VCF-style (leftmost placement, unchanged base first): chr11-112230667-CA-C. GRCh37 (hg19) VCF-style: chr11-112101390-CA-C.
Other names: short protein forms K78fs.
Identifiers: ClinVar variation 4818150 (VCV004818150.1).
Genomic context (GRCh38, chr11:112,230,667, plus strand): 5'-ACCTTTGTTTATTCTTTAGATTGACCCTGCTACGGGAATGGTTATGAATCTGGCTGATCT[CA>C]AAAAATATATGGAGGTAATGGCATGTTGGGTGCTTATTATGTGCTATTCCCTAACTGTAA-3'

ClinVar aggregate classification (germline): Likely pathogenic (1 of 4 stars; one submission).

Conditions:
6-Pyruvoyl-tetrahydrobiopterin synthase deficiency. Also called: 6-Pyruvoyltetrahydropterin Synthase Deficiency; HYPERPHENYLALANINEMIA, TETRAHYDROBIOPTERIN-DEFICIENT, DUE TO PTS DEFICIENCY; PTS DEFICIENCY; Hyperphenylalanemia, BH4-deficient, A; Hyperphenylalaninemia due to 6-pyruvoyl-tetrahydropterin synthase deficiency; BH4-deficient hyperphenylalaninemia A. Identifiers: Orphanet 13, Orphanet 238583, MedGen C0878676, MONDO:0009863, OMIM 261640.

Submission:

Natera, Inc.
Classification: Likely pathogenic for 6-Pyruvoyl-tetrahydrobiopterin synthase deficiency. Last evaluated: 2024-05-08. Review status: criteria provided, single submitter. Criteria: Natera Variant Classification Schema (03/2026). Collection method: clinical testing. Allele origin: germline.
Comment: The c.234del variant in PTS is a frameshift variant predicted to shift the reading frame beginning at codon 78 and leads to a stop codon 27 codons downstream. This variant is expected to result in nonsense mediated decay, truncation, or a dysfunctional protein product. This variant is rare in the general population with a frequency below the threshold expected for the associated phenotype(s). Given the available evidence, this variant is classified as Likely Pathogenic.